The following is an entry in ClinVar:

NM_206933.4(USH2A):c.5469A>G (p.Ala1823=)

Genes: USH2A (usherin; minus strand), USH2A-AS2 (USH2A antisense RNA 2; plus strand). Cytogenetic location: 1q41.
Variant type: single nucleotide variant.
Coding change: c.5469A>G on transcript NM_206933.4 (MANE Select); coding-DNA position 5469, A replaced by G.
Protein change: p.Ala1823=; no amino-acid change (alanine 1823 retained).
Molecular consequence: synonymous variant.
Genome position (GRCh38, 1-based): chr1:216,078,192, T>C on the plus strand (A>G on the coding strand, the complement: USH2A is on the minus strand). VCF-style: chr1-216078192-T-C. GRCh37 (hg19) VCF-style: chr1-216251534-T-C.
Other names: c.5469A>G (NM_206933.2).
Identifiers: ClinVar variation 1656304 (VCV001656304.9), dbSNP rs1480384486, ClinGen allele CA423431059.
Genomic context (GRCh38, chr1:216,078,192, plus strand): 5'-TGGGATTCCTCCCACATAAACTGGTGAATTCACCACCAGTGGCTGGTCTCCGGACTCCGA[T>C]GCATGCTTCATCAGTCCATTCACACTTGCTGATATGAAAGAGCCTTCCTTTTTAATAATG-3'
Protein context (NP_996816.3, residues 1813-1833): SASVNGLMKH[Ala1823=]SESGDQPLVV

ClinVar aggregate classification (germline): Likely benign. Review status: criteria provided, multiple submitters, no conflicts (2 of 4 stars). 2 submissions from 2 submitters: Likely benign (2). Last evaluated 2026-08-26.

Conditions:
USH2A-related disorder. Also called: USH2A-related disorders; USH2A-related condition. Identifiers: MedGen CN239332.

Allele frequency attached by ClinVar (database versions not stated): gnomAD 0.00001; TOPMed 0.00001.
gnomAD v4.1: 5 of 1,613,700 alleles (0.00031%); highest among the groups gnomAD compares: Non-Finnish European, 0.00042%; no homozygotes.

Submissions (2):

PreventionGenetics, part of Exact Sciences
Classification: Likely benign for USH2A-related condition. Last evaluated: 2026-08-26. Review status: criteria provided, single submitter. Criteria: ACMG Guidelines, 2015. Collection method: clinical testing. Allele origin: germline.
Comment: This variant is classified as likely benign based on ACMG/AMP sequence variant interpretation guidelines (Richards et al. 2015 PMID: 25741868, with internal and published modifications).

Labcorp Genetics (formerly Invitae), Labcorp
Classification: Likely benign. Last evaluated: 2026-01-24. Review status: criteria provided, single submitter. Criteria: Invitae Variant Classification Sherloc (09022015). Collection method: clinical testing. Allele origin: germline.